The following is an entry in ClinVar:

NM_002474.3(MYH11):c.2368A>G (p.Ile790Val)

Gene: MYH11 (myosin heavy chain 11; minus strand). Cytogenetic location: 16p13.11.
Variant type: single nucleotide variant.
Coding change: c.2368A>G on transcript NM_002474.3 (MANE Select); coding-DNA position 2368, A replaced by G.
Protein change: p.Ile790Val; replaces isoleucine 790 with valine.
Molecular consequence: missense variant.
Genome position (GRCh38, 1-based): chr16:15,747,613, T>C on the plus strand (A>G on the coding strand, the complement: MYH11 is on the minus strand). VCF-style: chr16-15747613-T-C. GRCh37 (hg19) VCF-style: chr16-15841470-T-C.
Other names: c.2389A>G, p.Ile797Val (NM_001040113.2, NM_001040114.2); c.2368A>G, p.Ile790Val (NM_022844.3); short protein forms I797V, I790V.
Identifiers: ClinVar variation 918377 (VCV000918377.5), dbSNP rs2041453442, ClinGen allele CA394867213.

ClinVar aggregate classification (germline): Uncertain significance (1 of 4 stars; one submission).

Conditions:
Familial thoracic aortic aneurysm and aortic dissection (TAAD). Also called: Thoracic aortic aneurysms and dissections. Identifiers: Orphanet 91387, MedGen C4707243, MONDO:0019625.

Submission:

Color Diagnostics, LLC DBA Color Health
Classification: Uncertain significance for Familial thoracic aortic aneurysm and aortic dissection. Last evaluated: 2023-12-05. Review status: criteria provided, single submitter. Criteria: ACMG Guidelines, 2015. Collection method: clinical testing. Allele origin: germline.
Comment: Variant of Uncertain Significance due to insufficient evidence: This missense variant replaces isoleucine with valine at codon 797 of the MYH11 protein. Computational prediction tools and conservation analyses are inconclusive regarding the impact of this variant on the protein function. Computational splicing tools suggest that this variant may not impact RNA splicing. To our knowledge, functional assays have not been performed for this variant nor has this variant been reported in individuals affected with cardiovascular disorders in the literature. This variant is rare in the general population and has been identified in 0/277264 chromosomes by the Genome Aggregation Database (gnomAD). Available evidence is insufficient to determine the role of this variant in disease conclusively.